The following is an entry in ClinVar:

ClinVar aggregate classification (germline): Uncertain significance (1 of 4 stars; one submission).

Submission:

Ambry Genetics
Classification: Uncertain significance. Last evaluated: 2024-11-22. Review status: criteria provided, single submitter. Criteria: Ambry Variant Classification Scheme 2023. Collection method: clinical testing. Allele origin: germline.
Comment: The p.L284V variant (also known as c.850C>G), located in coding exon 1 of the TET2 gene, results from a C to G substitution at nucleotide position 850. The leucine at codon 284 is replaced by valine, an amino acid with highly similar properties. This amino acid position is conserved. In addition, this alteration is predicted to be tolerated by in silico analysis. Based on the available evidence, the clinical significance of this variant remains unclear.

NM_001127208.3(TET2):c.850C>G (p.Leu284Val)

Genes: TET2 (tet methylcytosine dioxygenase 2; plus strand), TET2-AS1 (TET2 antisense RNA 1; minus strand). Cytogenetic location: 4q24.
Variant type: single nucleotide variant.
Coding change: c.850C>G on transcript NM_001127208.3 (MANE Select); coding-DNA position 850, C replaced by G.
Protein change: p.Leu284Val; replaces leucine 284 with valine.
Molecular consequence: missense variant.
Genome position (GRCh38, 1-based): chr4:105,234,792, C>G. VCF-style: chr4-105234792-C-G. GRCh37 (hg19) VCF-style: chr4-106155949-C-G.
Other names: c.850C>G, p.Leu284Val (NM_017628.4); short protein forms L284V.
Identifiers: ClinVar variation 3455319 (VCV003455319.1).
Genomic context (GRCh38, chr4:105,234,792, plus strand): 5'-ATCACTCACCCATCGCATACCTCAGGGCAGATCAATTCCGCACAGACCTCTAACTCTGAG[C>G]TGCCTCCAAAGCCAGCTGCAGTGGTGAGTGAGGCCTGTGATGCTGATGATGCTGATAATG-3'
Protein context (NP_001120680.1, residues 274-294): INSAQTSNSE[Leu284Val]PPKPAAVVSE